The following is an entry in ClinVar:

NM_001034853.2(RPGR):c.2701del (p.Glu901fs)

Gene: RPGR (retinitis pigmentosa GTPase regulator; minus strand). Cytogenetic location: Xp11.4.
Variant type: Deletion.
Coding change: c.2701del on transcript NM_001034853.2 (MANE Select); coding-DNA position 2701, one base deleted (G; older notation c.2701delG).
Protein change: p.Glu901fs; shifts the reading frame from glutamic acid 901.
Molecular consequence: frameshift variant. On other transcripts: intron variant (8).
Genome position (GRCh38, 1-based): chrX:38,286,298, C deleted on the plus strand (G on the coding strand, the reverse complement: RPGR is on the minus strand). VCF-style (leftmost placement, unchanged base first): chrX-38286297-TC-T. GRCh37 (hg19) VCF-style: chrX-38145550-TC-T.
Other names: NM_001034853.2:c.2701del; c.1569+4661del (NM_001367249.1, NM_001367250.1); c.1902+796del (NM_001367245.1); c.1386+4661del (NM_001367251.1); c.1719+796del (NM_001367246.1); c.1572+4661del (NM_001367247.1); c.1905+796del (NM_000328.3); c.1602+4661del (NM_001367248.1); short protein forms E901fs.
Identifiers: ClinVar variation 4082169 (VCV004082169.1).

ClinVar aggregate classification (germline): Pathogenic (3 of 4 stars; one submission).

Conditions:
RPGR-related retinopathy. Also called: RPGR retinopathy. Identifiers: MedGen CN305589, MONDO:0100437.

Submission:

ClinGen X-linked Inherited Retinal Disease Variant Curation Expert Panel, ClinGen
Classification: Pathogenic for RPGR-related retinopathy. Last evaluated: 2025-09-05. Review status: reviewed by expert panel. Criteria: ClinGen X LinkedIRD ACMG Specifications RPGR V1.0.0. Collection method: curation. Allele origin: germline. Inheritance: X-linked inheritance.
Comment: NM_001034853.2(RPGR):c.2701del (p.Glu901LysfsTer?) is a frameshift variant due to 1-nucleotide deletion in codon 901 introducing a premature stop codon in exon 15 of 15 that is predicted to disrupt a critical C-terminal region required for proper glutamylation of RPGR (PVS1, PMID: 36445968). This variant is absent from gnomAD v4.1.0 (PM2_Supporting). At least one proband harboring this variant exhibits a phenotype including presentation with night blindness (0.5 pts) with onset at age 10 years (1 pt), reduced visual acuity (0.5 pts), diminished electroretinogram responses from rods, fundus appearance showing widespread retinal pigment epithelium degeneration with pigment deposits (0.5 pts), optic disc pallor (0.5 pts), cataract, severe macular degeneration, artery attenuation, and genotyping by next-generation sequencing with a 483-gene panel showing no alternative basis for inherited retinal disease (2 pts), which together are specific for RPGR-related retinopathy (5 points, PMID: 36276946, PP4). In summary, this variant is classified as pathogenic for RPGR-related retinopathy based on the ClinGen X-linked Inherited Retinal Disease Expert Panel Specifications to the ACMG/AMP Variant Interpretation Guidelines for RPGR Version 1.0.0; PVS1, PM2_Supporting, and PP4.